The following is an entry in ClinVar:

NM_000552.5(VWF):c.6845_6846inv (p.Thr2282Met)

Gene: VWF (von Willebrand factor; minus strand). Cytogenetic location: 12p13.31.
Variant type: Inversion.
Coding change: c.6845_6846inv on transcript NM_000552.5 (MANE Select).
Protein change: p.Thr2282Met; replaces threonine 2282 with methionine.
Molecular consequence: missense variant.
Genome position: GRCh38 VCF-style: chr12-5985618-TG-CA. GRCh37 (hg19) VCF-style: chr12-6094784-TG-CA.
Other names: c.6845_6846delinsTG (NM_000552.5); short protein forms T2282M.
Identifiers: ClinVar variation 3384649 (VCV003384649.2).

ClinVar aggregate classification (germline): Uncertain significance. Review status: criteria provided, multiple submitters, no conflicts (2 of 4 stars). 2 submissions from 2 submitters: Uncertain significance (2). Last evaluated 2026-03-18.

Submissions (2):

Women's Health and Genetics/Laboratory Corporation of America, LabCorp
Classification: Uncertain significance. Last evaluated: 2026-03-18. Review status: criteria provided, single submitter. Criteria: LabCorp Variant Classification Summary - May 2015. Collection method: clinical testing. Allele origin: germline.
Comment: Variant summary: VWF c.6845_6846delinsTG (p.Thr2282Met) is part of a multinucleotide combination of 12-6094785-G-A (c.6845C>T, p.Thr2282Ile) and 12-6094784-T-C (c.6846A>G, p.Thr2282Thr) that results in a non-conservative amino acid change in the encoded protein sequence. Algorithms developed to predict the effect of missense changes on protein structure and function are either unavailable or do not agree on the potential impact of this missense change. The variant allele was found at a frequency of 2.4e-05 in 251112 control chromosomes. The available data on variant occurrences in the general population are insufficient to allow any conclusion about variant significance. To our knowledge, no occurrence of c.6845_6846delinsTG in individuals affected with VWF-related conditions and no experimental evidence demonstrating its impact on protein function have been reported. ClinVar contains an entry for this variant (Variation ID: 3384649). Based on the evidence outlined above, the variant was classified as uncertain significance.

GeneDx
Classification: Uncertain significance. Last evaluated: 2024-06-03. Review status: criteria provided, single submitter. Criteria: GeneDx Variant Classification Process June 2021. Collection method: clinical testing. Allele origin: germline. Affected: yes.
Comment: Not observed at significant frequency in large population cohorts (gnomAD); In silico analysis indicates that this variant does not alter protein structure/function; Has not been previously published as pathogenic or benign to our knowledge